The following is an entry in ClinVar:

NM_001206927.2(DNAH8):c.5363+4A>T

Gene: DNAH8 (dynein axonemal heavy chain 8; plus strand). Cytogenetic location: 6p21.2.
Variant type: single nucleotide variant.
Coding change: c.5363+4A>T on transcript NM_001206927.2 (MANE Select); 4 bases into the intron after coding-DNA position 5363, A replaced by T.
Molecular consequence: intron variant.
Genome position (GRCh38, 1-based): chr6:38,850,418, A>T. VCF-style: chr6-38850418-A-T. GRCh37 (hg19) VCF-style: chr6-38818194-A-T.
Other names: p.?; c.4712+4A>T (NM_001371.4).
Identifiers: ClinVar variation 2416952 (VCV002416952.13), dbSNP rs745592082, ClinGen allele CA3789343.

ClinVar aggregate classification (germline): Conflicting classifications of pathogenicity. Review status: criteria provided, conflicting classifications (1 of 4 stars). 2 submissions from 2 submitters: Uncertain significance (1); Likely benign (1). Last evaluated 2025-10-16.

Conditions:
Primary ciliary dyskinesia. Also called: Ciliary dyskinesia. Identifiers: Orphanet 244, MedGen C0008780, MONDO:0016575, HP:0012265.

Allele frequency attached by ClinVar (database versions not stated): gnomAD 0.00001; TOPMed 0.00001; ExAC 0.00002.
gnomAD v4.1: 11 of 1,609,504 alleles (0.00068%); highest among the groups gnomAD compares: Admixed American, 0.0034%; no homozygotes.

Submissions (2):

Mayo Clinic Laboratories, Mayo Clinic
Classification: Likely benign. Last evaluated: 2025-10-16. Review status: criteria provided, single submitter. Criteria: ACMG Guidelines, 2015. Collection method: clinical testing. Allele origin: germline. Observed: 1 variant allele.
Comment: BP4, BP5, BP7

Labcorp Genetics (formerly Invitae), Labcorp
Classification: Uncertain significance for Primary ciliary dyskinesia. Last evaluated: 2023-07-17. Review status: criteria provided, single submitter. Criteria: Invitae Variant Classification Sherloc (09022015). Collection method: clinical testing. Allele origin: germline.
Comment: This variant has not been reported in the literature in individuals affected with DNAH8-related conditions. ClinVar contains an entry for this variant (Variation ID: 2416952). Variants that disrupt the consensus splice site are a relatively common cause of aberrant splicing (PMID: 17576681, 9536098). Algorithms developed to predict the effect of sequence changes on RNA splicing suggest that this variant is not likely to affect RNA splicing. In summary, the available evidence is currently insufficient to determine the role of this variant in disease. Therefore, it has been classified as a Variant of Uncertain Significance. This variant is present in population databases (rs745592082, gnomAD 0.006%). This sequence change falls in intron 38 of the DNAH8 gene. It does not directly change the encoded amino acid sequence of the DNAH8 protein. It affects a nucleotide within the consensus splice site.

Literature cited by the submitters: PubMed 17576681 (cited by Labcorp Genetics (formerly Invitae), Labcorp); PubMed 9536098 (cited by Labcorp Genetics (formerly Invitae), Labcorp).